The following is an entry in ClinVar:

NM_001145308.5(LRTOMT):c.672C>G (p.Asp224Glu)

Genes: ANAPC15 (anaphase promoting complex subunit 15; minus strand), LRTOMT (leucine rich transmembrane and O-methyltransferase domain containing; plus strand), TOMT (transmembrane O-methyltransferase; plus strand). Cytogenetic location: 11q13.4.
Variant type: single nucleotide variant.
Coding change: c.672C>G on transcript NM_001145308.5; coding-DNA position 672, C replaced by G.
Protein change: p.Asp224Glu; replaces aspartic acid 224 with glutamic acid.
Molecular consequence: missense variant. On other transcripts: 3 prime UTR variant (3), non-coding transcript variant (1), intron variant (7).
Genome position (GRCh38, 1-based): chr11:72,108,721, C>G. VCF-style: chr11-72108721-C-G. GRCh37 (hg19) VCF-style: chr11-71819767-C-G.
Other names: c.573C>G, p.Asp191Glu (NM_001393500.2); c.672C>G, p.Asp224Glu (NM_001145309.4); c.552C>G, p.Asp184Glu (NM_001145310.4); c.*98G>C (NM_001393443.1, NM_001393444.1, NM_001393445.1); c.64-1116G>C (NM_001393459.1); c.319-1116G>C (NM_001393430.1, NM_001393429.1, NM_001393428.1 and 3 more transcripts); short protein forms D224E, D184E, D191E.
Identifiers: ClinVar variation 44041 (VCV000044041.5), dbSNP rs397516627, ClinGen allele CA133447.

ClinVar aggregate classification (germline): Uncertain significance (1 of 4 stars; one submission).

gnomAD v4.1: 1 of 1,550,032 alleles (0.000065%); no homozygotes.

Submission:

Laboratory for Molecular Medicine, Mass General Brigham Personalized Medicine
Classification: Uncertain significance. Last evaluated: 2012-12-06. Review status: criteria provided, single submitter. Criteria: LMM Criteria. Collection method: clinical testing. Allele origin: germline. Observed: 2 variant alleles.
Comment: The Asp224Glu variant in LRTOMT has not been reported in the literature nor prev iously identified by our laboratory. Computational analyses (biochemical amino acid properties, conservation, AlignGVGD, PolyPhen2, and SIFT) suggest that the Asp224Glu variant may impact the protein, though this information is not predict ive enough to determine pathogenicity. In summary, additional information is nee ded to fully assess the clinical significance of the Asp224Glu variant.